The following is an entry in ClinVar:

NM_001077365.2(POMT1):c.1510C>T (p.Arg504Trp)

Gene: POMT1 (protein O-mannosyltransferase 1; plus strand). Cytogenetic location: 9q34.13.
Variant type: single nucleotide variant.
Coding change: c.1510C>T on transcript NM_001077365.2 (MANE Select); coding-DNA position 1510, C replaced by T.
Protein change: p.Arg504Trp; replaces arginine 504 with tryptophan.
Molecular consequence: missense variant. On other transcripts: non-coding transcript variant (10), intron variant (1).
Genome position (GRCh38, 1-based): chr9:131,519,412, C>T. VCF-style: chr9-131519412-C-T. GRCh37 (hg19) VCF-style: chr9-134394799-C-T.
Other names: c.1348C>T, p.Arg450Trp (NM_001077366.2, NM_001353194.2); c.1510C>T, p.Arg504Trp (NM_001136113.2); c.1159C>T, p.Arg387Trp (NM_001136114.2, NM_001353195.2, NM_001374691.1 and 2 more transcripts); c.1576C>T, p.Arg526Trp (NM_001353193.2, NM_007171.4); c.1420C>T, p.Arg474Trp (NM_001353196.2); c.1414C>T, p.Arg472Trp (NM_001353197.2, NM_001353198.2); c.1225C>T, p.Arg409Trp (NM_001353199.2); c.1054C>T, p.Arg352Trp (NM_001353200.2); and 3 more; short protein forms R450W, R474W, R526W, R409W, R500W, R374W, R504W, R352W.
Identifiers: ClinVar variation 1479737 (VCV001479737.3), dbSNP rs151183697, ClinGen allele CA5293732.
Genomic context (GRCh38, chr9:131,519,412, plus strand): 5'-CTACTTCTATCTGTTATGCCCTTGTCTGTTCTGCCAGGCCAGGAGCAGAGGGAGCGGGAA[C>T]GGGAGCTGCACTCACCTGCGCAGGTGGACGTCAGCAGGAACCTCAGCTTCATGGCGAGAT-3'
Protein context (NP_001070833.1, residues 494-514): GASQEQRERE[Arg504Trp]ELHSPAQVDV

ClinVar aggregate classification (germline): Uncertain significance (1 of 4 stars; one submission).

Conditions:
Walker-Warburg congenital muscular dystrophy. Also called: Muscular dystrophy-dystroglycanopathy, type A; Walker-Warburg syndrome. Identifiers: Orphanet 899, MedGen C0265221, MONDO:0000171.
Autosomal recessive limb-girdle muscular dystrophy type 2K. Also called: MUSCULAR DYSTROPHY-DYSTROGLYCANOPATHY (LIMB-GIRDLE), TYPE C, 1; MUSCULAR DYSTROPHY, LIMB-GIRDLE, TYPE 2K. Identifiers: Orphanet 86812, MedGen C1836373, MONDO:0012248, OMIM 609308.
Muscular dystrophy-dystroglycanopathy (congenital with impaired intellectual development), type B, 1. Also called: Muscular dystrophy-dystroglycanopathy (congenital with intellectual disability), type B1; MUSCULAR DYSTROPHY, CONGENITAL, POMT1-RELATED. Identifiers: MedGen C5436962, MONDO:0013159, OMIM 613155.

Allele frequency attached by ClinVar (database versions not stated): gnomAD 0.00002; ESP Exome Variant Server 0.00008; TOPMed below 0.00001; gnomAD exomes 0.00001; ExAC 0.00005.
gnomAD v4.1: 8 of 1,551,972 alleles (0.00052%); highest among the groups gnomAD compares: African/African-American, 0.0041%; no homozygotes.

Submission:

Labcorp Genetics (formerly Invitae), Labcorp
Classification: Uncertain significance for Muscular dystrophy-dystroglycanopathy (congenital with impaired intellectual development), type B, 1; Walker-Warburg congenital muscular dystrophy; Autosomal recessive limb-girdle muscular dystrophy type 2K. Last evaluated: 2021-10-12. Review status: criteria provided, single submitter. Criteria: Invitae Variant Classification Sherloc (09022015). Collection method: clinical testing. Allele origin: germline.
Comment: This sequence change replaces arginine with tryptophan at codon 526 of the POMT1 protein (p.Arg526Trp). The arginine residue is weakly conserved and there is a moderate physicochemical difference between arginine and tryptophan. This variant is present in population databases (rs151183697, ExAC 0.04%). This variant has not been reported in the literature in individuals affected with POMT1-related conditions. Algorithms developed to predict the effect of missense changes on protein structure and function output the following: SIFT: "Tolerated"; PolyPhen-2: "Benign"; Align-GVGD: "Class C0". The tryptophan amino acid residue is found in multiple mammalian species, which suggests that this missense change does not adversely affect protein function. In summary, the available evidence is currently insufficient to determine the role of this variant in disease. Therefore, it has been classified as a Variant of Uncertain Significance.